The following is an entry in ClinVar:

ClinVar aggregate classification (germline): Uncertain significance. Review status: criteria provided, multiple submitters, no conflicts (2 of 4 stars). 2 submissions from 2 submitters: Uncertain significance (2). Last evaluated 2023-06-21.

Conditions:
Inborn genetic diseases. Identifiers: MedGen C0950123, MeSH D030342.

Allele frequency attached by ClinVar (database versions not stated): ESP Exome Variant Server 0.00008.
gnomAD v4.1: 24 of 1,614,038 alleles (0.0015%); highest among the groups gnomAD compares: Non-Finnish European, 0.0018%; no homozygotes.

Submissions (2):

Ambry Genetics
Classification: Uncertain significance for Inborn genetic diseases. Last evaluated: 2023-06-21. Review status: criteria provided, single submitter. Criteria: Ambry Variant Classification Scheme 2023. Collection method: clinical testing. Allele origin: germline.

Labcorp Genetics (formerly Invitae), Labcorp
Classification: Uncertain significance. Last evaluated: 2022-07-19. Review status: criteria provided, single submitter. Criteria: Invitae Variant Classification Sherloc (09022015). Collection method: clinical testing. Allele origin: germline.
Comment: This sequence change replaces leucine, which is neutral and non-polar, with valine, which is neutral and non-polar, at codon 789 of the ADAMTS18 protein (p.Leu789Val). This variant is present in population databases (rs372870721, gnomAD 0.003%). This variant has not been reported in the literature in individuals affected with ADAMTS18-related conditions. ClinVar contains an entry for this variant (Variation ID: 1347441). Algorithms developed to predict the effect of missense changes on protein structure and function are either unavailable or do not agree on the potential impact of this missense change (SIFT: "Not Available"; PolyPhen-2: "Probably Damaging"; Align-GVGD: "Not Available"). In summary, the available evidence is currently insufficient to determine the role of this variant in disease. Therefore, it has been classified as a Variant of Uncertain Significance.

NM_199355.4(ADAMTS18):c.2365C>G (p.Leu789Val)

Gene: ADAMTS18 (ADAM metallopeptidase with thrombospondin type 1 motif 18; minus strand). Cytogenetic location: 16q23.1.
Variant type: single nucleotide variant.
Coding change: c.2365C>G on transcript NM_199355.4 (MANE Select); coding-DNA position 2365, C replaced by G.
Protein change: p.Leu789Val; replaces leucine 789 with valine.
Molecular consequence: missense variant.
Genome position (GRCh38, 1-based): chr16:77,320,016, G>C on the plus strand (C>G on the coding strand, the complement: ADAMTS18 is on the minus strand). VCF-style: chr16-77320016-G-C. GRCh37 (hg19) VCF-style: chr16-77353913-G-C.
Other names: c.1849C>G, p.Leu617Val (NM_001326358.2); c.2365C>G (NM_199355.2); short protein forms L789V, L617V.
Identifiers: ClinVar variation 1347441 (VCV001347441.7), dbSNP rs372870721, ClinGen allele CA8180935.